The following is an entry in ClinVar:

NM_001614.5(ACTG1):c.1128A>G (p.Ter376=)

Gene: ACTG1 (actin gamma 1; minus strand). Cytogenetic location: 17q25.3.
Variant type: single nucleotide variant.
Coding change: c.1128A>G on transcript NM_001614.5 (MANE Select); coding-DNA position 1128, A replaced by G.
Protein change: p.Ter376=.
Molecular consequence: synonymous variant. On other transcripts: non-coding transcript variant (1).
Genome position (GRCh38, 1-based): chr17:81,510,690, T>C on the plus strand (A>G on the coding strand, the complement: ACTG1 is on the minus strand). VCF-style: chr17-81510690-T-C. GRCh37 (hg19) VCF-style: chr17-79477716-T-C.
Other names: p.*376=; c.1128A>G, p.Ter376= (NM_001199954.3).
Identifiers: ClinVar variation 128269 (VCV000128269.24), dbSNP rs11549223, ClinGen allele CA151586.

ClinVar aggregate classification (germline): Benign. Review status: criteria provided, multiple submitters, no conflicts (2 of 4 stars). 10 submissions from 9 submitters: Benign (10). Last evaluated 2026-02-03.

Conditions:
Autosomal dominant nonsyndromic hearing loss 20. Identifiers: Orphanet 90635, MedGen C1858172, MONDO:0011480, OMIM 604717.
Baraitser-winter syndrome 2. Identifiers: Orphanet 2995, MedGen C3281235, MONDO:0013812, OMIM 614583.

Allele frequency attached by ClinVar (database versions not stated): gnomAD exomes 0.01621 and 0.02249; ExAC 0.02359; ESP Exome Variant Server 0.03906; gnomAD 0.04050 and 0.04188; TOPMed 0.04386; 1000 Genomes Project 0.05092; 1000 Genomes Project 30x 0.05278.
gnomAD v4.1: 30,274 of 1,613,942 alleles (1.9%); highest among the groups gnomAD compares: African/African-American, 10%; 640 homozygotes.

Submissions (10):

Labcorp Genetics (formerly Invitae), Labcorp
Classification: Benign for Baraitser-winter syndrome 2; Autosomal dominant nonsyndromic hearing loss 20. Last evaluated: 2026-02-03. Review status: criteria provided, single submitter. Criteria: Invitae Variant Classification Sherloc (09022015). Collection method: clinical testing. Allele origin: germline.

Blueprint Genetics
Classification: Benign. Last evaluated: 2024-11-27. Review status: criteria provided, single submitter. Criteria: ACMG Guidelines, 2015. Collection method: clinical testing. Allele origin: germline.

Mayo Clinic Laboratories, Mayo Clinic
Classification: Benign. Last evaluated: 2022-04-26. Review status: criteria provided, single submitter. Criteria: ACMG Guidelines, 2015. Collection method: clinical testing. Allele origin: germline. Observed: 11 variant alleles.

Genome-Nilou Lab
Classification: Benign for Baraitser-winter syndrome 2. Last evaluated: 2021-12-05. Review status: criteria provided, single submitter. Criteria: ACMG Guidelines, 2015. Collection method: clinical testing. Allele origin: germline. Affected: no.

Genome-Nilou Lab
Classification: Benign for Autosomal dominant nonsyndromic hearing loss 20. Last evaluated: 2021-12-05. Review status: criteria provided, single submitter. Criteria: ACMG Guidelines, 2015. Collection method: clinical testing. Allele origin: germline. Affected: no.

Athena Diagnostics
Classification: Benign. Last evaluated: 2018-05-23. Review status: criteria provided, single submitter. Criteria: Athena Diagnostics Criteria. Collection method: clinical testing. Allele origin: germline.

GeneDx
Classification: Benign. Last evaluated: 2015-11-13. Review status: criteria provided, single submitter. Criteria: GeneDx Variant Classification (06012015). Collection method: clinical testing. Allele origin: germline. Affected: yes.
Comment: This variant is considered likely benign or benign based on one or more of the following criteria: it is a conservative change, it occurs at a poorly conserved position in the protein, it is predicted to be benign by multiple in silico algorithms, and/or has population frequency not consistent with disease.

Laboratory for Molecular Medicine, Mass General Brigham Personalized Medicine
Classification: Benign. Last evaluated: 2013-04-11. Review status: criteria provided, single submitter. Criteria: LMM Criteria. Collection method: clinical testing. Allele origin: germline. Observed: 88 variant alleles.
Comment: X376X in exon 6 of ACTG1: This variant is not expected to have clinical signific ance because it does not alter the termination codon, it is not located within t he splice consensus sequence, it has been identified in 1.3% (113/8600) of Europ ean American chromosomes and 9% (395/4406) of African American chromosomes from a broad population by the NHLBI Exome Sequencing Project (dbSNP rs11549223)

Genetic Services Laboratory, University of Chicago
Classification: Benign for AllHighlyPenetrant. Last evaluated: 2013-03-04. Review status: criteria provided, single submitter. Criteria: ACMG Guidelines, 2007. Collection method: clinical testing. Allele origin: germline. Inheritance: Autosomal recessive inheritance.

Breakthrough Genomics
Classification: Benign. Review status: criteria provided, single submitter. Criteria: ACMG Guidelines, 2015. Collection method: not provided. Allele origin: germline. Inheritance: Autosomal dominant inheritance. Affected: yes.